The following is an entry in ClinVar:

ClinVar aggregate classification (germline): Likely pathogenic (1 of 4 stars; one submission).

Conditions:
Primary ciliary dyskinesia. Also called: Ciliary dyskinesia. Identifiers: Orphanet 244, MedGen C0008780, MONDO:0016575, HP:0012265.

Submission:

Labcorp Genetics (formerly Invitae), Labcorp
Classification: Likely pathogenic for Primary ciliary dyskinesia. Last evaluated: 2018-09-19. Review status: criteria provided, single submitter. Criteria: Invitae Variant Classification Sherloc (09022015). Collection method: clinical testing. Allele origin: germline.
Comment: This variant is a gross deletion of the genomic region encompassing exon 13 of the DNAAF5 gene. The 5' boundary is likely confined to intron 12. The 3' end of this event is unknown as it extends through the termination codon beyond the assayed region for this gene and may encompass additional genes. While this deletion is not anticipated to result in nonsense mediated decay, it is expected to create a truncated protein product or disrupt mRNA translation. This variant has not been reported in the literature in individuals with a DNAAF5-related disease. Experimental studies and prediction algorithms are not available for this variant, and the functional significance of the deleted amino acids is currently unknown. In summary, this variant is a deletion of the last exon of the DNAAF5 gene and it has been observed in an affected individual who also carried another rare heterozygous variant. This evidence indicates that the variant is pathogenic, but additional data is needed to prove that conclusively. Therefore, this variant has been classified as Likely Pathogenic.

NC_000007.14:g.(?_785511)_(785658_?)del

Gene: DNAAF5 (dynein axonemal assembly factor 5; plus strand). Cytogenetic location: 7p22.3.
Variant type: Deletion.
Identifiers: ClinVar variation 454505 (VCV000454505.2).